The following is an entry in ClinVar:

NM_001110556.2(FLNA):c.4785_4786del (p.Ile1596fs)

Gene: FLNA (filamin A; minus strand). Cytogenetic location: Xq28.
Variant type: Microsatellite.
Coding change: c.4785_4786del on transcript NM_001110556.2 (MANE Select); coding-DNA positions 4785 to 4786, 2 bases deleted (CA; older notation c.4785_4786delCA).
Protein change: p.Ile1596fs; shifts the reading frame from isoleucine 1596.
Molecular consequence: frameshift variant.
Genome position (GRCh38, 1-based): chrX:154,357,593-154,357,594, TG deleted on the plus strand (CA on the coding strand, the reverse complement: FLNA is on the minus strand); deleting any 2 consecutive bases within chrX:154,357,593-154,357,599 gives the same sequence; the c. name uses the placement nearest the transcript's 3' end. VCF-style (leftmost placement, unchanged base first): chrX-154357592-ATG-A. GRCh37 (hg19) VCF-style: chrX-153585960-ATG-A.
Other names: c.4785_4786del, p.Ile1596fs (NM_001456.4); short protein forms I1596fs.
Identifiers: ClinVar variation 2631545 (VCV002631545.3), dbSNP rs2522733678, ClinGen allele CA2695197154.

ClinVar aggregate classification (germline): Likely pathogenic (0 of 4 stars; one submission).

Conditions:
FLNA-related disorder.

Submission:

PreventionGenetics, part of Exact Sciences
Classification: Likely pathogenic for FLNA-related condition. Last evaluated: 2024-01-22. Review status: no assertion criteria provided. Collection method: clinical testing. Allele origin: germline.
Comment: The FLNA c.4785_4786delCA variant is predicted to result in a frameshift and premature protein termination (p.Ile1596Profs*5). To our knowledge, this variant has not been reported in the literature or in a large population database, indicating this variant is rare. Frameshift variants in FLNA are expected to be pathogenic. This variant is interpreted as likely pathogenic.